The following is an entry in ClinVar:

NM_000501.4(ELN):c.1694G>C (p.Gly565Ala)

Genes: ELN (elastin; plus strand), ELN-AS1 (ELN antisense RNA 1; minus strand). Cytogenetic location: 7q11.23.
Variant type: single nucleotide variant.
Coding change: c.1694G>C on transcript NM_000501.4 (MANE Select); coding-DNA position 1694, G replaced by C.
Protein change: p.Gly565Ala; replaces glycine 565 with alanine.
Molecular consequence: missense variant.
Genome position (GRCh38, 1-based): chr7:74,060,448, G>C. VCF-style: chr7-74060448-G-C. GRCh37 (hg19) VCF-style: chr7-73474778-G-C.
Other names: c.1607G>C, p.Gly536Ala (NM_001081752.3); c.1652G>C, p.Gly551Ala (NM_001081753.3); c.1709G>C, p.Gly570Ala (NM_001081754.3); c.1637G>C, p.Gly546Ala (NM_001081755.3); c.1694G>C, p.Gly565Ala (NM_001278912.2); c.1451G>C, p.Gly484Ala (NM_001278913.2); c.1622G>C, p.Gly541Ala (NM_001278914.2); c.1712G>C, p.Gly571Ala (NM_001278915.2); and 4 more; short protein forms G476A, G484A, G517A, G536A, G541A, G546A, G551A, G555A.
Identifiers: ClinVar variation 4537894 (VCV004537894.1).

ClinVar aggregate classification (germline): Uncertain significance (1 of 4 stars; one submission).

gnomAD v4.1: 16 of 1,613,682 alleles (0.00099%); highest among the groups gnomAD compares: Non-Finnish European, 0.0014%; no homozygotes.

Submission:

GeneDx
Classification: Uncertain significance. Last evaluated: 2025-06-15. Review status: criteria provided, single submitter. Criteria: GeneDx Variant Classification Process June 2021. Collection method: clinical testing. Allele origin: germline. Affected: yes.
Comment: Not observed at significant frequency in large population cohorts (gnomAD); In silico analysis supports that this missense variant has a deleterious effect on protein structure/function; Has not been previously published as pathogenic or benign to our knowledge